The following is an entry in ClinVar:

ClinVar aggregate classification (germline): Uncertain significance (1 of 4 stars; one submission).

Conditions:
Inborn genetic diseases. Identifiers: MedGen C0950123, MeSH D030342.

Submission:

Ambry Genetics
Classification: Uncertain significance for Inborn genetic diseases. Last evaluated: 2025-10-26. Review status: criteria provided, single submitter. Criteria: Ambry Variant Classification Scheme 2023. Collection method: clinical testing. Allele origin: germline.
Comment: The p.A14T variant (also known as c.40G>A), located in coding exon 1 of the ASXL1 gene, results from a G to A substitution at nucleotide position 40. The alanine at codon 14 is replaced by threonine, an amino acid with similar properties. This amino acid position is conserved. In addition, this alteration is predicted to be tolerated by in silico analysis. Based on the available evidence, the clinical significance of this variant remains unclear.

NM_015338.6(ASXL1):c.40G>A (p.Ala14Thr)

Gene: ASXL1 (ASXL transcriptional regulator 1; plus strand). Cytogenetic location: 20q11.21.
Variant type: single nucleotide variant.
Coding change: c.40G>A on transcript NM_015338.6 (MANE Select); coding-DNA position 40, G replaced by A.
Protein change: p.Ala14Thr; replaces alanine 14 with threonine.
Molecular consequence: missense variant.
Genome position (GRCh38, 1-based): chr20:32,358,815, G>A. VCF-style: chr20-32358815-G-A. GRCh37 (hg19) VCF-style: chr20-30946618-G-A.
Other names: c.40G>A, p.Ala14Thr (NM_001164603.1); short protein forms A14T.
Identifiers: ClinVar variation 4588152 (VCV004588152.1).
Genomic context (GRCh38, chr20:32,358,815, plus strand): 5'-CCGCCGCCGCCGGGGAGAAGGATGAAGGACAAACAGAAGAAGAAGAAGGAGCGCACGTGG[G>A]CCGAGGCCGCGCGCCTGGTGAGGCGGACAGCCGAGGGGGGCTCCGTGGGGCCCGGGGTGG-3'
Protein context (NP_056153.2, residues 4-24): KQKKKKERTW[Ala14Thr]EAARLVLENY